The following is an entry in ClinVar:

NM_000157.4(GBA1):c.702dup (p.Ser235fs)

Genes: GBA1 (glucosylceramidase beta 1; minus strand), LOC106627981 (GBA recombination region; plus strand). Cytogenetic location: 1q22.
Variant type: Duplication.
Coding change: c.702dup on transcript NM_000157.4 (MANE Select); coding-DNA position 702, one base duplicated (G; older notation c.702dupG).
Protein change: p.Ser235fs; shifts the reading frame from serine 235.
Molecular consequence: frameshift variant.
Genome position (GRCh38, 1-based): chr1:155,238,193, C duplicated on the plus strand (G on the coding strand, the reverse complement: GBA1 is on the minus strand); the first of 4 consecutive C bases (chr1:155,238,193-155,238,196); duplicating any one gives the same sequence. VCF-style (leftmost placement, unchanged base first): chr1-155238192-A-AC. GRCh37 (hg19) VCF-style: chr1-155207983-A-AC.
Other names: c.702dup, p.Ser235fs (NM_001005741.3, NM_001005742.3); c.441dup, p.Ser148fs (NM_001171811.2); c.555dup, p.Ser186fs (NM_001171812.2); c.702dupG (NM_001005741.3); short protein forms S148fs, S186fs, S235fs.
Identifiers: ClinVar variation 3769167 (VCV003769167.2).

ClinVar aggregate classification (germline): Pathogenic (1 of 4 stars; one submission).

Conditions:
Gaucher disease. Also called: Acute cerebral Gaucher disease; Cerebroside lipidosis syndrome; Gaucher splenomegaly; Sphingolipidosis 1; Glucocerebrosidosis; Glucosylceramidase deficiency. Identifiers: Orphanet 355, MedGen C0017205, MONDO:0018150.

Submission:

Women's Health and Genetics/Laboratory Corporation of America, LabCorp
Classification: Pathogenic for Gaucher disease. Last evaluated: 2025-01-13. Review status: criteria provided, single submitter. Criteria: LabCorp Variant Classification Summary - May 2015. Collection method: clinical testing. Allele origin: germline.
Comment: Variant summary: GBA1 c.702dupG (p.Ser235ValfsX27) results in a premature termination codon, predicted to cause a truncation of the encoded protein or absence of the protein due to nonsense mediated decay, which are commonly known mechanisms for disease. The variant was absent in 251462 control chromosomes. To our knowledge, no occurrence of c.702dupG in individuals affected with Gaucher Disease and no experimental evidence demonstrating its impact on protein function have been reported. No submitters have cited clinical-significance assessments for this variant to ClinVar. Based on the evidence outlined above, the variant was classified as pathogenic.